The following is an entry in ClinVar:

NM_015419.4(MXRA5):c.2190C>T (p.Ala730=)

Gene: MXRA5 (matrix remodeling associated 5; minus strand). Cytogenetic location: Xp22.33.
Variant type: single nucleotide variant.
Coding change: c.2190C>T on transcript NM_015419.4 (MANE Select); coding-DNA position 2190, C replaced by T.
Protein change: p.Ala730=; no amino-acid change (alanine 730 retained).
Molecular consequence: synonymous variant.
Genome position (GRCh38, 1-based): chrX:3,323,495, G>A on the plus strand (C>T on the coding strand, the complement: MXRA5 is on the minus strand). VCF-style: chrX-3323495-G-A. GRCh37 (hg19) VCF-style: chrX-3241536-G-A.
Identifiers: ClinVar variation 3054624 (VCV003054624.2), dbSNP rs370078172, ClinGen allele CA10340219.

ClinVar aggregate classification (germline): Likely benign (0 of 4 stars; one submission).

Conditions:
MXRA5-related disorder. Also called: MXRA5-related condition.

Allele frequency attached by ClinVar (database versions not stated): ExAC 0.00019; ESP Exome Variant Server 0.00019; TOPMed 0.00024; gnomAD 0.00025; gnomAD exomes 0.00040.

Submission:

PreventionGenetics, part of Exact Sciences
Classification: Likely benign for MXRA5-related condition. Last evaluated: 2023-07-04. Review status: no assertion criteria provided. Collection method: clinical testing. Allele origin: germline.
Comment: This variant is classified as likely benign based on ACMG/AMP sequence variant interpretation guidelines (Richards et al. 2015 PMID: 25741868, with internal and published modifications).